The following is an entry in ClinVar:

NM_005909.5(MAP1B):c.6162A>C (p.Ala2054=)

Gene: MAP1B (microtubule associated protein 1B; plus strand). Cytogenetic location: 5q13.2.
Variant type: single nucleotide variant.
Coding change: c.6162A>C on transcript NM_005909.5 (MANE Select); coding-DNA position 6162, A replaced by C.
Protein change: p.Ala2054=; no amino-acid change (alanine 2054 retained).
Molecular consequence: synonymous variant.
Genome position (GRCh38, 1-based): chr5:72,199,517, A>C. VCF-style: chr5-72199517-A-C. GRCh37 (hg19) VCF-style: chr5-71495344-A-C.
Other names: c.5784A>C, p.Ala1928= (NM_001324255.2).
Identifiers: ClinVar variation 780958 (VCV000780958.7), dbSNP rs61734260, ClinGen allele CA3299440.

ClinVar aggregate classification (germline): Benign. Review status: criteria provided, multiple submitters, no conflicts (2 of 4 stars). 3 submissions from 3 submitters: Benign (2). 1 of the submissions does not count toward it. Last evaluated 2019-12-31.

Conditions:
MAP1B-related disorder. Also called: MAP1B-related condition.

Allele frequency attached by ClinVar (database versions not stated): gnomAD 0.00514 and 0.00479; ESP Exome Variant Server 0.00592; ExAC 0.00177; gnomAD exomes 0.00055 and 0.00138; 1000 Genomes Project 0.00439; TOPMed 0.00512; 1000 Genomes Project 30x 0.00484.
gnomAD v4.1: 1,575 of 1,614,194 alleles (0.098%); highest among the groups gnomAD compares: African/African-American, 1.7%; 15 homozygotes.

Submissions (3):

Labcorp Genetics (formerly Invitae), Labcorp
Classification: Benign. Last evaluated: 2019-12-31. Review status: criteria provided, single submitter. Criteria: Invitae Variant Classification Sherloc (09022015). Collection method: clinical testing. Allele origin: germline.

Breakthrough Genomics
Classification: Benign. Review status: criteria provided, single submitter. Criteria: ACMG Guidelines, 2015. Collection method: not provided. Allele origin: germline. Inheritance: Autosomal dominant inheritance. Affected: yes.

PreventionGenetics, part of Exact Sciences
Classification: Benign for MAP1B-related condition. Last evaluated: 2019-05-23. Review status: no assertion criteria provided. Collection method: clinical testing. Allele origin: germline. Not counted in ClinVar's aggregate classification.
Comment: This variant is classified as benign based on ACMG/AMP sequence variant interpretation guidelines (Richards et al. 2015 PMID: 25741868, with internal and published modifications).